The following is an entry in ClinVar:

ClinVar aggregate classification (germline): Uncertain significance (1 of 4 stars; one submission).

Submission:

GeneDx
Classification: Uncertain significance. Last evaluated: 2026-02-06. Review status: criteria provided, single submitter. Criteria: GeneDx Variant Classification Process June 2021. Collection method: clinical testing. Allele origin: germline.
Comment: Not observed at significant frequency in large population cohorts (gnomAD); In silico analysis supports that this missense variant has a deleterious effect on protein structure/function; Has not been previously published as pathogenic or benign to our knowledge

NM_017872.5(THG1L):c.449T>G (p.Leu150Arg)

Gene: THG1L (tRNA-histidine guanylyltransferase 1 like; plus strand). Cytogenetic location: 5q33.3.
Variant type: single nucleotide variant.
Coding change: c.449T>G on transcript NM_017872.5 (MANE Select); coding-DNA position 449, T replaced by G.
Protein change: p.Leu150Arg; replaces leucine 150 with arginine.
Molecular consequence: missense variant. On other transcripts: intron variant (1).
Genome position (GRCh38, 1-based): chr5:157,734,656, T>G. VCF-style: chr5-157734656-T-G. GRCh37 (hg19) VCF-style: chr5-157161664-T-G.
Other names: c.74T>G, p.Leu25Arg (NM_001317825.2); c.263T>G, p.Leu88Arg (NM_001317826.2); c.68-15T>G (NM_001317824.2); short protein forms L150R, L25R, L88R.
Identifiers: ClinVar variation 4975758 (VCV004975758.1).
Genomic context (GRCh38, chr5:157,734,656, plus strand): 5'-CCTCCCAGTTTGCCTCCAGCTATGTGTTTTATTGGCGGGATTACTTTGAGGACCAGCCCC[T>G]TCTGTATCCCCCAGGCTTTGACGGAAGAGTCGTGGTGTATCCCAGCAACCAGACTTTAAA-3'
Protein context (NP_060342.2, residues 140-160): YWRDYFEDQP[Leu150Arg]LYPPGFDGRV